The following is an entry in ClinVar:

ClinVar aggregate classification (germline): Uncertain significance (1 of 4 stars; one submission).

Submission:

Ambry Genetics
Classification: Uncertain significance. Last evaluated: 2021-09-23. Review status: criteria provided, single submitter. Criteria: Ambry Variant Classification Scheme 2023. Collection method: clinical testing. Allele origin: germline.
Comment: The p.F288S variant (also known as c.863T>C), located in coding exon 9 of the FAM175A gene, results from a T to C substitution at nucleotide position 863. The phenylalanine at codon 288 is replaced by serine, an amino acid with highly dissimilar properties. This amino acid position is conserved. In addition, the in silico prediction for this alteration is inconclusive. Since supporting evidence is limited at this time, the clinical significance of this alteration remains unclear.

NM_139076.3(ABRAXAS1):c.863T>C (p.Phe288Ser)

Gene: ABRAXAS1 (abraxas 1, BRCA1 A complex subunit; minus strand). Cytogenetic location: 4q21.23.
Variant type: single nucleotide variant.
Coding change: c.863T>C on transcript NM_139076.3 (MANE Select); coding-DNA position 863, T replaced by C.
Protein change: p.Phe288Ser; replaces phenylalanine 288 with serine.
Molecular consequence: missense variant.
Genome position (GRCh38, 1-based): chr4:83,462,836, A>G on the plus strand (T>C on the coding strand, the complement: ABRAXAS1 is on the minus strand). VCF-style: chr4-83462836-A-G. GRCh37 (hg19) VCF-style: chr4-84383989-A-G.
Other names: c.536T>C, p.Phe179Ser (NM_001345962.2); short protein forms F179S, F288S.
Identifiers: ClinVar variation 1799865 (VCV001799865.2), dbSNP rs1722186544, ClinGen allele CA357256495.